The following is an entry in ClinVar:

ClinVar aggregate classification (germline): Likely benign. Review status: criteria provided, multiple submitters, no conflicts (2 of 4 stars). 2 submissions from 2 submitters: Likely benign (2). Last evaluated 2013-01-01.

Conditions:
Anophthalmia-microphthalmia syndrome. Also called: Anophthalmia/Microphthalmia; Anophthalmia - microphthalmia. Identifiers: Orphanet 98555, MedGen C5680330, MONDO:0020147.

Allele frequency attached by ClinVar (database versions not stated): gnomAD 0.00003; ESP Exome Variant Server 0.00008; TOPMed 0.00009.
gnomAD v4.1: 96 of 1,595,834 alleles (0.006%); highest among the groups gnomAD compares: Middle Eastern, 0.099%; 1 homozygote.

Submissions (2):

Paul Sabatier University EA-4555, Paul Sabatier University
Classification: Likely benign. Last evaluated: 2013-01-01. Review status: criteria provided, single submitter. Criteria: Chassaing et al. (Genome Res. 2016). Collection method: clinical testing. Allele origin: inherited. Affected: yes. Observed: 1 heterozygote.
Comment: rare variant, predicted damaging in silico (Polyphen-2, SIFT), compound heterozygosity

Breakthrough Genomics
Classification: Likely benign. Review status: criteria provided, single submitter. Criteria: ACMG Guidelines, 2015. Collection method: not provided. Allele origin: germline. Inheritance: Unknown mechanism. Affected: yes.

NM_003635.4(NDST2):c.25C>T (p.Arg9Cys)

Genes: NDST2 (N-deacetylase and N-sulfotransferase 2; minus strand), NDST2-ZSWIM8-AS1 (NDST2-ZSWIM8-AS1 readthrough; minus strand). Cytogenetic location: 10q22.2.
Variant type: single nucleotide variant.
Coding change: c.25C>T on transcript NM_003635.4 (MANE Select); coding-DNA position 25, C replaced by T.
Protein change: p.Arg9Cys; replaces arginine 9 with cysteine.
Molecular consequence: missense variant. On other transcripts: non-coding transcript variant (2).
Genome position (GRCh38, 1-based): chr10:73,808,364, G>A on the plus strand (C>T on the coding strand, the complement: NDST2 is on the minus strand). VCF-style: chr10-73808364-G-A. GRCh37 (hg19) VCF-style: chr10-75568122-G-A.
Other names: c.25C>T, p.Arg9Cys (NM_001330107.2); short protein forms R9C.
Identifiers: ClinVar variation 221964 (VCV000221964.2), dbSNP rs368488804, ClinGen allele CA072139.
Genomic context (GRCh38, chr10:73,808,364, plus strand): 5'-CCAGGCTGAAAGCGATCAGCAGCAGTATGAGGCGGTGCAGTTCCAGCTGCCGAGCTGGGC[G>A]TACCACCTTCCACAACTGGAGCATGGCGGGGGGAGGAAGGGAGGGAGGAATGGGGACCAC-3'
Protein context (NP_003626.1, residues 1-19): MLQLWKVV[Arg9Cys]PARQLELHRL